The following is an entry in ClinVar:

ClinVar aggregate classification (germline): Uncertain significance. Review status: criteria provided, multiple submitters, no conflicts (2 of 4 stars). 2 submissions from 2 submitters: Uncertain significance (2). Last evaluated 2025-11-16.

Conditions:
Inborn genetic diseases. Identifiers: MedGen C0950123, MeSH D030342.
Mosaic variegated aneuploidy syndrome 1 (MVA1). Also called: Warburton-Anyane-Yeboa syndrome. Identifiers: Orphanet 1052, MedGen C1850343, MONDO:0009759, OMIM 257300.

Allele frequency attached by ClinVar (database versions not stated): ExAC 0.00001; gnomAD exomes 0.00001 and 0.00002.

Submissions (2):

Ambry Genetics
Classification: Uncertain significance for Inborn genetic diseases. Last evaluated: 2025-11-16. Review status: criteria provided, single submitter. Criteria: Ambry Variant Classification Scheme 2023. Collection method: clinical testing. Allele origin: germline.
Comment: The p.S569L variant (also known as c.1706C>T), located in coding exon 14 of the BUB1B gene, results from a C to T substitution at nucleotide position 1706. The serine at codon 569 is replaced by leucine, an amino acid with dissimilar properties. This amino acid position is conserved. In addition, this alteration is predicted to be tolerated by in silico analysis. Since supporting evidence is limited at this time, the clinical significance of this alteration remains unclear.

Labcorp Genetics (formerly Invitae), Labcorp
Classification: Uncertain significance for Mosaic variegated aneuploidy syndrome 1. Last evaluated: 2025-11-08. Review status: criteria provided, single submitter. Criteria: Invitae Variant Classification Sherloc (09022015). Collection method: clinical testing. Allele origin: germline.
Comment: This sequence change replaces serine, which is neutral and polar, with leucine, which is neutral and non-polar, at codon 569 of the BUB1B protein (p.Ser569Leu). This variant is present in population databases (rs750961031, gnomAD 0.009%). This variant has not been reported in the literature in individuals affected with BUB1B-related conditions. ClinVar contains an entry for this variant (Variation ID: 936230). An algorithm developed to predict the effect of missense changes on protein structure and function outputs the following: PolyPhen-2: "Benign". The leucine amino acid residue is found in multiple mammalian species, which suggests that this missense change does not adversely affect protein function. In summary, the available evidence is currently insufficient to determine the role of this variant in disease. Therefore, it has been classified as a Variant of Uncertain Significance.

NM_001211.6(BUB1B):c.1706C>T (p.Ser569Leu)

Gene: BUB1B (BUB1 mitotic checkpoint serine/threonine kinase B; plus strand). Cytogenetic location: 15q15.1.
Variant type: single nucleotide variant.
Coding change: c.1706C>T on transcript NM_001211.6 (MANE Select); coding-DNA position 1706, C replaced by T.
Protein change: p.Ser569Leu; replaces serine 569 with leucine.
Molecular consequence: missense variant.
Genome position (GRCh38, 1-based): chr15:40,202,666, C>T. VCF-style: chr15-40202666-C-T. GRCh37 (hg19) VCF-style: chr15-40494867-C-T.
Other names: short protein forms S569L.
Identifiers: ClinVar variation 936230 (VCV000936230.14), dbSNP rs750961031, ClinGen allele CA7475864.
Genomic context (GRCh38, chr15:40,202,666, plus strand): 5'-CACGAGTTTTAGCTCAACGAAGACCCCTTGCAGTTCTCAAAACCTCAGAAAGCATCACCT[C>T]AAATGAAGATGTGTCTCCAGATGTTTGTGTAAGGAGCAGTATCCTTAAGTTAATGTAAAT-3'
Protein context (NP_001202.5, residues 559-579): AVLKTSESIT[Ser569Leu]NEDVSPDVCD